The following is an entry in ClinVar:

NM_001379500.1(COL18A1):c.3350G>A (p.Arg1117Gln)

Genes: COL18A1 (collagen type XVIII alpha 1 chain; plus strand), SLC19A1 (solute carrier family 19 member 1; minus strand). Cytogenetic location: 21q22.3.
Variant type: single nucleotide variant.
Coding change: c.3350G>A on transcript NM_001379500.1 (MANE Select); coding-DNA position 3350, G replaced by A.
Protein change: p.Arg1117Gln; replaces arginine 1117 with glutamine.
Molecular consequence: missense variant.
Genome position (GRCh38, 1-based): chr21:45,509,456, G>A. VCF-style: chr21-45509456-G-A. GRCh37 (hg19) VCF-style: chr21-46929370-G-A.
Other names: NM_130445.2:c.3341G>A; c.3881G>A, p.Arg1294Gln (NM_030582.4); c.4586G>A, p.Arg1529Gln (NM_130444.3); c.3881G>A (NM_030582.3); short protein forms R1529Q, R1117Q, R1294Q.
Identifiers: ClinVar variation 1365602 (VCV001365602.5), dbSNP rs774779029, ClinGen allele CA10067865.

ClinVar aggregate classification (germline): Uncertain significance. Review status: criteria provided, multiple submitters, no conflicts (2 of 4 stars). 3 submissions from 3 submitters: Uncertain significance (3). Last evaluated 2025-02-21.

Conditions:
COL18A1-related disorder. Also called: COL18A1-related disorders; COL18A1-related condition.
Inborn genetic diseases. Identifiers: MedGen C0950123, MeSH D030342.

Allele frequency attached by ClinVar (database versions not stated): gnomAD 0.00001; gnomAD exomes 0.00003 and 0.00004; ExAC 0.00017.
gnomAD v4.1: 65 of 1,533,874 alleles (0.0042%); highest among the groups gnomAD compares: East Asian, 0.012%; no homozygotes.

Submissions (3):

PreventionGenetics, part of Exact Sciences
Classification: Uncertain significance for COL18A1-related condition. Last evaluated: 2025-02-21. Review status: criteria provided, single submitter. Criteria: ACMG Guidelines, 2015. Collection method: clinical testing. Allele origin: germline.
Comment: The COL18A1 c.3881G>A variant is predicted to result in the amino acid substitution p.Arg1294Gln. To our knowledge, this variant has not been reported in the literature. This variant is reported in 0.0091% of alleles in individuals of East Asian descent in gnomAD. At this time, the clinical significance of this variant is uncertain due to the absence of conclusive functional and genetic evidence.

Ambry Genetics
Classification: Uncertain significance for Inborn genetic diseases. Last evaluated: 2023-12-27. Review status: criteria provided, single submitter. Criteria: Ambry Variant Classification Scheme 2023. Collection method: clinical testing. Allele origin: germline.

Labcorp Genetics (formerly Invitae), Labcorp
Classification: Uncertain significance. Last evaluated: 2022-04-28. Review status: criteria provided, single submitter. Criteria: Invitae Variant Classification Sherloc (09022015). Collection method: clinical testing. Allele origin: germline.
Comment: This sequence change replaces arginine, which is basic and polar, with glutamine, which is neutral and polar, at codon 1114 of the COL18A1 protein (p.Arg1114Gln). This variant is present in population databases (rs774779029, gnomAD 0.01%). This variant has not been reported in the literature in individuals affected with COL18A1-related conditions. Experimental studies and prediction algorithms are not available or were not evaluated, and the functional significance of this variant is currently unknown. In summary, the available evidence is currently insufficient to determine the role of this variant in disease. Therefore, it has been classified as a Variant of Uncertain Significance.